The following is an entry in ClinVar:

NM_016011.5(MECR):c.877G>A (p.Val293Ile)

Gene: MECR (mitochondrial trans-2-enoyl-CoA reductase; minus strand). Cytogenetic location: 1p35.3.
Variant type: single nucleotide variant.
Coding change: c.877G>A on transcript NM_016011.5 (MANE Select); coding-DNA position 877, G replaced by A.
Protein change: p.Val293Ile; replaces valine 293 with isoleucine.
Molecular consequence: missense variant. On other transcripts: non-coding transcript variant (4).
Genome position (GRCh38, 1-based): chr1:29,196,212, C>T on the plus strand (G>A on the coding strand, the complement: MECR is on the minus strand). VCF-style: chr1-29196212-C-T. GRCh37 (hg19) VCF-style: chr1-29522724-C-T.
Other names: c.649G>A, p.Val217Ile (NM_001024732.4, NM_001349711.2, NM_001349712.2 and 2 more transcripts); c.982G>A, p.Val328Ile (NM_001349715.2); c.961G>A, p.Val321Ile (NM_001349716.2); c.727G>A, p.Val243Ile (NM_001349717.2); c.877G>A (NM_016011.2); short protein forms V243I, V321I, V293I, V328I, V217I.
Identifiers: ClinVar variation 1403673 (VCV001403673.6), dbSNP rs368580393, ClinGen allele CA725614.

ClinVar aggregate classification (germline): Uncertain significance. Review status: criteria provided, multiple submitters, no conflicts (2 of 4 stars). 2 submissions from 2 submitters: Uncertain significance (2). Last evaluated 2021-09-02.

Conditions:
Inborn genetic diseases. Identifiers: MedGen C0950123, MeSH D030342.

Allele frequency attached by ClinVar (database versions not stated): gnomAD exomes 0.00003 and 0.00005; ExAC 0.00007; ESP Exome Variant Server 0.00008; TOPMed 0.00010; gnomAD 0.00011.

Submissions (2):

Labcorp Genetics (formerly Invitae), Labcorp
Classification: Uncertain significance. Last evaluated: 2021-09-02. Review status: criteria provided, single submitter. Criteria: Invitae Variant Classification Sherloc (09022015). Collection method: clinical testing. Allele origin: germline.
Comment: This sequence change replaces valine with isoleucine at codon 293 of the MECR protein (p.Val293Ile). The valine residue is moderately conserved and there is a small physicochemical difference between valine and isoleucine. This variant is present in population databases (rs368580393, ExAC 0.04%). This variant has not been reported in the literature in individuals affected with MECR-related conditions. Algorithms developed to predict the effect of missense changes on protein structure and function output the following: SIFT: "Tolerated"; PolyPhen-2: "Benign"; Align-GVGD: "Class C0". The isoleucine amino acid residue is found in multiple mammalian species, which suggests that this missense change does not adversely affect protein function. In summary, the available evidence is currently insufficient to determine the role of this variant in disease. Therefore, it has been classified as a Variant of Uncertain Significance.

Ambry Genetics
Classification: Uncertain significance for Inborn genetic diseases. Last evaluated: 2021-07-08. Review status: criteria provided, single submitter. Criteria: Ambry Variant Classification Scheme 2023. Collection method: clinical testing. Allele origin: germline.